The following is an entry in ClinVar:

ClinVar aggregate classification (germline): Uncertain significance (1 of 4 stars; one submission).

gnomAD v4.1: 4 of 1,613,978 alleles (0.00025%); highest among the groups gnomAD compares: Non-Finnish European, 0.00034%; no homozygotes.

Submission:

Labcorp Genetics (formerly Invitae), Labcorp
Classification: Uncertain significance. Last evaluated: 2025-09-10. Review status: criteria provided, single submitter. Criteria: Invitae Variant Classification Sherloc (09022015). Collection method: clinical testing. Allele origin: germline.
Comment: This sequence change replaces glycine, which is neutral and non-polar, with glutamic acid, which is acidic and polar, at codon 1393 of the FLNB protein (p.Gly1393Glu). This variant is not present in population databases (gnomAD no frequency). This variant has not been reported in the literature in individuals affected with FLNB-related conditions. ClinVar contains an entry for this variant (Variation ID: 3677908). Invitae Evidence Modeling of protein sequence and biophysical properties (such as structural, functional, and spatial information, amino acid conservation, physicochemical variation, residue mobility, and thermodynamic stability) indicates that this missense variant is not expected to disrupt FLNB protein function with a negative predictive value of 80%. In summary, the available evidence is currently insufficient to determine the role of this variant in disease. Therefore, it has been classified as a Variant of Uncertain Significance.

NM_001457.4(FLNB):c.4178G>A (p.Gly1393Glu)

Gene: FLNB (filamin B; plus strand). Cytogenetic location: 3p14.3.
Variant type: single nucleotide variant.
Coding change: c.4178G>A on transcript NM_001457.4 (MANE Select); coding-DNA position 4178, G replaced by A.
Protein change: p.Gly1393Glu; replaces glycine 1393 with glutamic acid.
Molecular consequence: missense variant.
Genome position (GRCh38, 1-based): chr3:58,126,718, G>A. VCF-style: chr3-58126718-G-A. GRCh37 (hg19) VCF-style: chr3-58112445-G-A.
Other names: c.4178G>A, p.Gly1393Glu (NM_001164317.2, NM_001164318.2, NM_001164319.2); short protein forms G1393E.
Identifiers: ClinVar variation 3677908 (VCV003677908.2).